The following is an entry in ClinVar:

NM_005751.5(AKAP9):c.2174A>G (p.Gln725Arg)

Gene: AKAP9 (A-kinase anchoring protein 9; plus strand). Cytogenetic location: 7q21.2.
Variant type: single nucleotide variant.
Coding change: c.2174A>G on transcript NM_005751.5 (MANE Select); coding-DNA position 2174, A replaced by G.
Protein change: p.Gln725Arg; replaces glutamine 725 with arginine.
Molecular consequence: missense variant.
Genome position (GRCh38, 1-based): chr7:92,002,091, A>G. VCF-style: chr7-92002091-A-G. GRCh37 (hg19) VCF-style: chr7-91631405-A-G.
Other names: c.2174A>G, p.Gln725Arg (NM_147185.3); short protein forms Q725R.
Identifiers: ClinVar variation 1787152 (VCV001787152.2), dbSNP rs2484692586, ClinGen allele CA368123492.

ClinVar aggregate classification (germline): Uncertain significance (1 of 4 stars; one submission).

Conditions:
Cardiovascular phenotype. Identifiers: MedGen CN230736.

Submission:

Ambry Genetics
Classification: Uncertain significance for Cardiovascular phenotype. Last evaluated: 2021-06-30. Review status: criteria provided, single submitter. Criteria: Ambry Variant Classification Scheme 2023. Collection method: clinical testing. Allele origin: germline.
Comment: The p.Q725R variant (also known as c.2174A>G), located in coding exon 8 of the AKAP9 gene, results from an A to G substitution at nucleotide position 2174. The glutamine at codon 725 is replaced by arginine, an amino acid with highly similar properties. This amino acid position is conserved. In addition, this alteration is predicted to be tolerated by in silico analysis. Since supporting evidence is limited at this time, the clinical significance of this alteration remains unclear.